The following is an entry in ClinVar:

ClinVar aggregate classification (germline): Pathogenic (1 of 4 stars; one submission).

Conditions:
Landau-Kleffner syndrome (FESD). Also called: EPILEPSY, FOCAL, WITH SPEECH DISORDER AND WITH OR WITHOUT MENTAL RETARDATION; APHASIA, ACQUIRED, WITH EPILEPSY. Identifiers: Orphanet 1945, Orphanet 725, Orphanet 98818, MedGen C0282512, MONDO:0009509, OMIM 245570.

Submission:

Labcorp Genetics (formerly Invitae), Labcorp
Classification: Pathogenic for Landau-Kleffner syndrome. Last evaluated: 2016-11-08. Review status: criteria provided, single submitter. Criteria: Invitae Variant Classification Sherloc (09022015). Collection method: clinical testing. Allele origin: germline.
Comment: For these reasons, this variant has been classified as Pathogenic. While this particular variant has not been reported in the literature, loss-of-function variants in GRIN2A are known to be pathogenic (PMID: 23933820, 23933819). This sequence change creates a premature translational stop signal at codon 578 (p.Tyr578*) of the GRIN2A gene. It is expected to result in an absent or disrupted protein product.

Literature cited by the submitters: PubMed 23933820; PubMed 23933819.

NM_001134407.3(GRIN2A):c.1734C>G (p.Tyr578Ter)

Gene: GRIN2A (glutamate ionotropic receptor NMDA type subunit 2A; minus strand). Cytogenetic location: 16p13.2.
Variant type: single nucleotide variant.
Coding change: c.1734C>G on transcript NM_001134407.3 (MANE Select); coding-DNA position 1734, C replaced by G.
Protein change: p.Tyr578Ter; replaces tyrosine 578 with a stop codon.
Molecular consequence: nonsense.
Genome position (GRCh38, 1-based): chr16:9,834,148, G>C on the plus strand (C>G on the coding strand, the complement: GRIN2A is on the minus strand). VCF-style: chr16-9834148-G-C. GRCh37 (hg19) VCF-style: chr16-9928005-G-C.
Other names: c.1734C>G, p.Tyr578Ter (NM_000833.5, NM_001134408.2); short protein forms Y578*.
Identifiers: ClinVar variation 411285 (VCV000411285.5), dbSNP rs1060503228, ClinGen allele CA16615062.
Genomic context (GRCh38, chr16:9,834,148, plus strand): 5'-CATGAAGGTACCCTTACCTTTCCCTTTGGCTAAGTTTCTGTTGTATCCAACAGGGCTGAA[G>C]TATTCAAAGACAAAAACAGCTATGGCAGAAACAATGAGCAGCATCACAAACATCATCACC-3'